The following is an entry in ClinVar:

NM_003803.4(MYOM1):c.2790_2793del (p.Asp930fs)

Gene: MYOM1 (myomesin 1; minus strand). Cytogenetic location: 18p11.31.
Variant type: Microsatellite.
Coding change: c.2790_2793del on transcript NM_003803.4 (MANE Select); coding-DNA positions 2790 to 2793, 4 bases deleted (CAGA; older notation c.2790_2793delCAGA).
Protein change: p.Asp930fs; shifts the reading frame from aspartic acid 930.
Molecular consequence: frameshift variant. On other transcripts: intron variant (1).
Genome position (GRCh38, 1-based): chr18:3,129,233-3,129,236, TCTG deleted on the plus strand (CAGA on the coding strand, the reverse complement: MYOM1 is on the minus strand); deleting any 4 consecutive bases within chr18:3,129,233-3,129,243 gives the same sequence; the c. name uses the placement nearest the transcript's 3' end. VCF-style (leftmost placement, unchanged base first): chr18-3129232-CTCTG-C. GRCh37 (hg19) VCF-style: chr18-3129230-CTCTG-C.
Other names: c.2506+2139_2506+2142del (NM_019856.2); short protein forms D930fs.
Identifiers: ClinVar variation 852073 (VCV000852073.7), dbSNP rs764298096, ClinGen allele CA8874528.
Genomic context (GRCh38, chr18:3,129,232, plus strand): 5'-GATGAGAGGTGAGGACAGTGATGGAGACGGATGGAACAGCTTCCCTTTCTCAACTCTCAC[CTCTG>C]TCTGTCTTCTTTTTCAGGGGGTCAGACTTACTTTTCCCCTGAGGAGCCGCTTTCTGTGGT-3'

ClinVar aggregate classification (germline): Uncertain significance (1 of 4 stars; one submission).

Conditions:
Hypertrophic cardiomyopathy. Also called: HYPERTROPHIC MYOCARDIOPATHY. Identifiers: Orphanet 217569, MedGen C0007194, MeSH D002312, MONDO:0005045, HP:0001639.

Submission:

Labcorp Genetics (formerly Invitae), Labcorp
Classification: Uncertain significance for Hypertrophic cardiomyopathy. Last evaluated: 2025-08-03. Review status: criteria provided, single submitter. Criteria: Invitae Variant Classification Sherloc (09022015). Collection method: clinical testing. Allele origin: germline.
Comment: This sequence change creates a premature translational stop signal (p.Asp930Glufs*40) in the MYOM1 gene. It is expected to result in an absent or disrupted protein product. However, the current clinical and genetic evidence is not sufficient to establish whether loss-of-function variants in MYOM1 cause disease. This variant is present in population databases (rs764298096, gnomAD 0.007%). This variant has not been reported in the literature in individuals affected with MYOM1-related conditions. ClinVar contains an entry for this variant (Variation ID: 852073). In summary, the available evidence is currently insufficient to determine the role of this variant in disease. Therefore, it has been classified as a Variant of Uncertain Significance.